The following is an entry in ClinVar:

ClinVar aggregate classification (germline): Uncertain significance (1 of 4 stars; one submission).

Submission:

GeneDx
Classification: Uncertain significance. Last evaluated: 2024-05-03. Review status: criteria provided, single submitter. Criteria: GeneDx Variant Classification Process June 2021. Collection method: clinical testing. Allele origin: germline. Affected: yes.
Comment: Not observed at significant frequency in large population cohorts (gnomAD); In silico analysis supports that this missense variant has a deleterious effect on protein structure/function; Has not been previously published as pathogenic or benign to our knowledge

NM_001363711.2(DUOX2):c.1247G>T (p.Gly416Val)

Gene: DUOX2 (dual oxidase 2; minus strand). Cytogenetic location: 15q21.1.
Variant type: single nucleotide variant.
Coding change: c.1247G>T on transcript NM_001363711.2 (MANE Select); coding-DNA position 1247, G replaced by T.
Protein change: p.Gly416Val; replaces glycine 416 with valine.
Molecular consequence: missense variant.
Genome position (GRCh38, 1-based): chr15:45,108,940, C>A on the plus strand (G>T on the coding strand, the complement: DUOX2 is on the minus strand). VCF-style: chr15-45108940-C-A. GRCh37 (hg19) VCF-style: chr15-45401138-C-A.
Other names: c.1247G>T, p.Gly416Val (NM_014080.5); short protein forms G416V.
Identifiers: ClinVar variation 3373411 (VCV003373411.1).